The following is an entry in ClinVar:

ClinVar aggregate classification (germline): Conflicting classifications of pathogenicity. Review status: criteria provided, conflicting classifications (1 of 4 stars). 7 submissions from 6 submitters: Uncertain significance (1); Benign (5); Likely benign (1). Last evaluated 2025-12-30.

Conditions:
Autosomal recessive nonsyndromic hearing loss 21. Identifiers: Orphanet 90636, MedGen C1863655, MONDO:0011351, OMIM 603629.
Autosomal dominant nonsyndromic hearing loss 12. Also called: DEAFNESS, AUTOSOMAL DOMINANT 8. Identifiers: Orphanet 90635, MedGen C1832187, MONDO:0011102, OMIM 601543.

Allele frequency attached by ClinVar (database versions not stated): 1000 Genomes Project 0.00100; 1000 Genomes Project 30x 0.00109; TOPMed 0.00425; ExAC 0.00476; gnomAD exomes 0.00482 and 0.00694; ESP Exome Variant Server 0.00508; gnomAD 0.00542 and 0.00563.
gnomAD v4.1: 10,870 of 1,612,826 alleles (0.67%); highest among the groups gnomAD compares: Non-Finnish European, 0.81%; 53 homozygotes.

Submissions (7):

Labcorp Genetics (formerly Invitae), Labcorp
Classification: Benign. Last evaluated: 2025-12-30. Review status: criteria provided, single submitter. Criteria: Invitae Variant Classification Sherloc (09022015). Collection method: clinical testing. Allele origin: germline.

ARUP Laboratories, Molecular Genetics and Genomics, ARUP Laboratories
Classification: Benign. Last evaluated: 2020-02-20. Review status: criteria provided, single submitter. Criteria: ARUP Molecular Germline Variant Investigation Process. Collection method: clinical testing. Allele origin: germline.

GeneDx
Classification: Likely benign. Last evaluated: 2018-08-01. Review status: criteria provided, single submitter. Criteria: GeneDx Variant Classification Process June 2021. Collection method: clinical testing. Allele origin: germline. Affected: yes.

Illumina Laboratory Services, Illumina
Classification: Benign for Autosomal dominant nonsyndromic hearing loss 12. Last evaluated: 2018-01-13. Review status: criteria provided, single submitter. Criteria: ICSL Variant Classification Criteria 13 December 2019. Collection method: clinical testing. Allele origin: germline.
Comment: This variant was observed in the ICSL laboratory as part of a predisposition screen in an ostensibly healthy population. It had not been previously curated by ICSL or reported in the Human Gene Mutation Database (HGMD: prior to June 1st, 2018), and was therefore a candidate for classification through an automated scoring system. Utilizing variant allele frequency, disease prevalence and penetrance estimates, and inheritance mode, an automated score was calculated to assess if this variant is too frequent to cause the disease. Based on the score and internal cut-off values, a variant classified as benign is not then subjected to further curation. The score for this variant resulted in a classification of benign for this disease.

Illumina Laboratory Services, Illumina
Classification: Uncertain significance for Autosomal recessive nonsyndromic hearing loss 21. Last evaluated: 2018-01-13. Review status: criteria provided, single submitter. Criteria: ICSL Variant Classification Criteria 13 December 2019. Collection method: clinical testing. Allele origin: germline.

Laboratory for Molecular Medicine, Mass General Brigham Personalized Medicine
Classification: Benign. Last evaluated: 2012-05-07. Review status: criteria provided, single submitter. Criteria: LMM Criteria. Collection method: clinical testing. Allele origin: germline. Observed: 13 variant alleles.
Comment: 790+12C>T in Intron 05 of TECTA: This variant is not expected to have clinical s ignificance because it is not located within the conserved splice consensus sequ ence and has been identified in 0.6% (43/7020) of European American chromosomes from a broad population by the NHLBI Exome Sequencing Project (dbSNP rs138644808).

PreventionGenetics, part of Exact Sciences
Classification: Benign. Review status: criteria provided, single submitter. Criteria: ACMG Guidelines, 2015. Collection method: clinical testing. Allele origin: germline.

NM_005422.4(TECTA):c.790+12C>T

Genes: TECTA (tectorin alpha; plus strand), TBCEL-TECTA (TBCEL-TECTA readthrough; plus strand). Cytogenetic location: 11q23.3.
Variant type: single nucleotide variant.
Coding change: c.790+12C>T on transcript NM_005422.4 (MANE Select); 12 bases into the intron after coding-DNA position 790, C replaced by T.
Molecular consequence: intron variant.
Genome position (GRCh38, 1-based): chr11:121,113,730, C>T. VCF-style: chr11-121113730-C-T. GRCh37 (hg19) VCF-style: chr11-120984439-C-T.
Other names: c.1747+12C>T (NM_001378761.1).
Identifiers: ClinVar variation 178637 (VCV000178637.28), dbSNP rs138644808, ClinGen allele CA182710.
Genomic context (GRCh38, chr11:121,113,730, plus strand): 5'-AAAGTTGATGGAAAGGAAATTGACCCAGCCAATGGCTGCACCTCAAGGGGTAAAGCTTTT[C>T]CTCTGTCTGTGGCAAGGCAGGGTTTGTTTAGTGTAGATTGACAGGCAAGCTTTTAAGCCA-3'